The following is an entry in ClinVar:

ClinVar aggregate classification (germline): Uncertain significance. Review status: criteria provided, multiple submitters, no conflicts (2 of 4 stars). 4 submissions from 4 submitters: Uncertain significance (4). Last evaluated 2025-10-22.

Conditions:
Hereditary cancer-predisposing syndrome. Also called: Neoplastic Syndromes, Hereditary; Hereditary neoplastic syndrome; Tumor predisposition; Hereditary Cancer Syndrome. Identifiers: Orphanet 140162, MedGen C0027672, MeSH D009386, MONDO:0015356.
Hereditary pheochromocytoma and paraganglioma. Also called: Hereditary Paraganglioma-Pheochromocytoma Syndromes; Hereditary paragangliomas and pheochromocytomas; Hereditary pheochromocytoma-paraganglioma. Identifiers: Orphanet 29072, MedGen C4274332, MONDO:0017366.
Pheochromocytoma. Also called: MAX-Related Hereditary Paraganglioma-Pheochromocytoma Syndrome. Identifiers: Orphanet 29072, MedGen C0031511, MONDO:0008233, OMIM 171300, HP:0002666.

Allele frequency attached by ClinVar (database versions not stated): gnomAD 0.00001; gnomAD exomes 0.00001; TOPMed 0.00003; ExAC 0.00001.
gnomAD v4.1: 14 of 1,613,960 alleles (0.00087%); highest among the groups gnomAD compares: East Asian, 0.0022%; no homozygotes.

Submissions (4):

Labcorp Genetics (formerly Invitae), Labcorp
Classification: Uncertain significance for Hereditary pheochromocytoma and paraganglioma. Last evaluated: 2025-10-22. Review status: criteria provided, single submitter. Criteria: Invitae Variant Classification Sherloc (09022015). Collection method: clinical testing. Allele origin: germline.
Comment: This sequence change replaces proline, which is neutral and non-polar, with leucine, which is neutral and non-polar, at codon 118 of the TMEM127 protein (p.Pro118Leu). This variant is present in population databases (rs769359648, gnomAD 0.006%). This missense change has been observed in individual(s) with renal cell carcinoma (PMID: 24334765, 33051659). ClinVar contains an entry for this variant (Variation ID: 486542). An algorithm developed to predict the effect of missense changes on protein structure and function (PolyPhen-2) suggests that this variant is likely to be disruptive. Experimental studies have shown that this missense change does not substantially affect TMEM127 function (PMID: 24334765). In summary, the available evidence is currently insufficient to determine the role of this variant in disease. Therefore, it has been classified as a Variant of Uncertain Significance.

Ambry Genetics
Classification: Uncertain significance for Hereditary cancer-predisposing syndrome. Last evaluated: 2024-08-09. Review status: criteria provided, single submitter. Criteria: Ambry Variant Classification Scheme 2023. Collection method: clinical testing. Allele origin: germline.
Comment: The p.P118L variant (also known as c.353C>T), located in coding exon 2 of the TMEM127 gene, results from a C to T substitution at nucleotide position 353. The proline at codon 118 is replaced by leucine, an amino acid with similar properties. This amino acid position is highly conserved in available vertebrate species. In addition, this alteration is predicted to be deleterious by in silico analysis. Based on the available evidence, the clinical significance of this variant remains unclear.

Baylor Genetics
Classification: Uncertain significance for Pheochromocytoma. Last evaluated: 2023-05-02. Review status: criteria provided, single submitter. Criteria: ACMG Guidelines, 2015. Collection method: clinical testing. Allele origin: unknown.

Quest Diagnostics Nichols Institute San Juan Capistrano
Classification: Uncertain significance. Last evaluated: 2022-12-24. Review status: criteria provided, single submitter. Criteria: Quest Diagnostics criteria. Collection method: clinical testing. Allele origin: unknown.
Comment: The frequency of this variant in the general population, 0.000012 (3/251448 chromosomes), is uninformative in assessment of its pathogenicity. In the published literature, the variant has been reported in an individual with renal cell carcinoma (PMID: 24334765 (2014)). A functional study found that this variant did not impact protein function (PMID: 24334765 (2014)). Analysis of this variant using bioinformatics tools for the prediction of the effect of amino acid changes on protein structure and function yielded conflicting predictions that this variant is deleterious or benign. Based on the available information, we are unable to determine the clinical significance of this variant.

Literature cited by the submitters: PubMed 24334765 (cited by 3 submitters); PubMed 33051659 (cited by Labcorp Genetics (formerly Invitae), Labcorp and Quest Diagnostics Nichols Institute San Juan Capistrano).

NM_017849.4(TMEM127):c.353C>T (p.Pro118Leu)

Gene: TMEM127 (transmembrane protein 127; minus strand). Cytogenetic location: 2q11.2.
Variant type: single nucleotide variant.
Coding change: c.353C>T on transcript NM_017849.4 (MANE Select); coding-DNA position 353, C replaced by T.
Protein change: p.Pro118Leu; replaces proline 118 with leucine.
Molecular consequence: missense variant.
Genome position (GRCh38, 1-based): chr2:96,254,889, G>A on the plus strand (C>T on the coding strand, the complement: TMEM127 is on the minus strand). VCF-style: chr2-96254889-G-A. GRCh37 (hg19) VCF-style: chr2-96920627-G-A.
Other names: c.353C>T, p.Pro118Leu (NM_001193304.3); short protein forms P118L.
Identifiers: ClinVar variation 486542 (VCV000486542.17), dbSNP rs769359648, ClinGen allele CA1777346.